The following is an entry in ClinVar:

NM_024989.4(PGAP1):c.2743C>T (p.Leu915Phe)

Gene: PGAP1 (post-GPI attachment to proteins inositol deacylase 1; minus strand). Cytogenetic location: 2q33.1.
Variant type: single nucleotide variant.
Coding change: c.2743C>T on transcript NM_024989.4 (MANE Select); coding-DNA position 2743, C replaced by T.
Protein change: p.Leu915Phe; replaces leucine 915 with phenylalanine.
Molecular consequence: missense variant.
Genome position (GRCh38, 1-based): chr2:196,841,260, G>A on the plus strand (C>T on the coding strand, the complement: PGAP1 is on the minus strand). VCF-style: chr2-196841260-G-A. GRCh37 (hg19) VCF-style: chr2-197705984-G-A.
Other names: c.2221C>T, p.Leu741Phe (NM_001321099.2); c.1576C>T, p.Leu526Phe (NM_001321100.2); c.2743C>T (NM_024989.3); short protein forms L741F, L915F, L526F.
Identifiers: ClinVar variation 2585531 (VCV002585531.2), dbSNP rs568719380, ClinGen allele CA2040546.
Genomic context (GRCh38, chr2:196,841,260, plus strand): 5'-CATAAATTATCTTCATCATTCCTTAAGTCCAATCTTACATAAAGTTGCATAATGCATGGA[G>A]TAAAAGAGGAATGAAGACAAAGCATGGAAGCCTATATAAATGTGCTGACCCAAAAGCAAT-3'
Protein context (NP_079265.2, residues 905-922): LPCFVFIPLL[Leu915Phe]HALCNFM

ClinVar aggregate classification (germline): Uncertain significance. Review status: criteria provided, multiple submitters, no conflicts (2 of 4 stars). 2 submissions from 2 submitters: Uncertain significance (2). Last evaluated 2025-04-13.

Conditions:
Intellectual disability, autosomal recessive 42 (NEDDSBA). Also called: GLYCOSYLPHOSPHATIDYLINOSITOL BIOSYNTHESIS DEFECT 9; Neurodevelopmental disorder with dysmorphic features, spasticity, and brain abnormalities. Identifiers: Orphanet 88616, MedGen C4014343, MONDO:0014348, OMIM 615802.
Inborn genetic diseases. Identifiers: MedGen C0950123, MeSH D030342.

Allele frequency attached by ClinVar (database versions not stated): gnomAD 0.00005; gnomAD exomes 0.00006; ExAC 0.00011; 1000 Genomes Project 30x 0.00016; 1000 Genomes Project 0.00020.

Submissions (2):

Ambry Genetics
Classification: Uncertain significance for Inborn genetic diseases. Last evaluated: 2025-04-13. Review status: criteria provided, single submitter. Criteria: Ambry Variant Classification Scheme 2023. Collection method: clinical testing. Allele origin: germline.

Neuberg Centre For Genomic Medicine, NCGM
Classification: Uncertain significance for Intellectual disability, autosomal recessive 42. Review status: criteria provided, single submitter. Criteria: ACMG Guidelines, 2015. Collection method: clinical testing. Allele origin: germline. Inheritance: Autosomal recessive inheritance. Affected: yes.
Comment: The stop gained variant c.2743C>T (p.Leu915Phe) in PGAP1 gene has not been reported previously as a pathogenic variant nor as a benign variant, to our knowledge. The p.Leu915Phe variant is novel (not in any individuals) in 1000 Genomes and allele frequency of 0.007794% is reported in gnomAD. The amino acid Leu at position 915 is changed to a Phe changing protein sequence and it might alter its composition and physico-chemical properties. For these reasons, this variant has been classified as Uncertain Significance .